The following is an entry in ClinVar:

ClinVar aggregate classification (germline): Likely benign (1 of 4 stars; one submission).

Allele frequency attached by ClinVar (database versions not stated): 1000 Genomes Project 0.00140; 1000 Genomes Project 30x 0.00141; ESP Exome Variant Server 0.00261.
gnomAD v4.1: 5,725 of 1,612,500 alleles (0.36%); highest among the groups gnomAD compares: Non-Finnish European, 0.43%; 11 homozygotes.

Submission:

CeGaT Center for Human Genetics Tuebingen
Classification: Likely benign. Last evaluated: 2022-05-01. Review status: criteria provided, single submitter. Criteria: CeGaT Center For Human Genetics Tuebingen Variant Classification Criteria Version 2. Collection method: clinical testing. Allele origin: germline. Affected: yes. Observed: 1 variant allele.
Comment: ABCC5: BP4, BP7

NM_005688.4(ABCC5):c.2700G>A (p.Ser900=)

Gene: ABCC5 (ATP binding cassette subfamily C member 5; minus strand). Cytogenetic location: 3q27.1.
Variant type: single nucleotide variant.
Coding change: c.2700G>A on transcript NM_005688.4 (MANE Select); coding-DNA position 2700, G replaced by A.
Protein change: p.Ser900=; no amino-acid change (serine 900 retained).
Molecular consequence: synonymous variant.
Genome position (GRCh38, 1-based): chr3:183,951,971, C>T on the plus strand (G>A on the coding strand, the complement: ABCC5 is on the minus strand). VCF-style: chr3-183951971-C-T. GRCh37 (hg19) VCF-style: chr3-183669759-C-T.
Other names: c.1284G>A, p.Ser428= (NM_001320032.2).
Identifiers: ClinVar variation 2654301 (VCV002654301.24), dbSNP rs28365026, ClinGen allele CA2724196.
Genomic context (GRCh38, chr3:183,951,971, plus strand): 5'-GAGGGCGTAGATGCTGGCATAGTACTGCATATGAGGATTGTCCTTCATGCTGTCACTCAC[C>T]GAGGTCTCGTTCCCTCGAGTCACAGTGGTGTTCTGTTTGAAGCCAAAGTTCTATGAGGCC-3'
Protein context (NP_005679.2, residues 890-910): NTTVTRGNET[Ser900=]VSDSMKDNPH